The following is an entry in ClinVar:

NC_000005.9:g.(?_58480995)_(58489382_?)dup

Gene: PDE4D (phosphodiesterase 4D; minus strand). Cytogenetic location: 5q11.2.
Variant type: Duplication.
Identifiers: ClinVar variation 3246467 (VCV003246467.1).

ClinVar aggregate classification (germline): Uncertain significance (1 of 4 stars; one submission).

Submission:

Labcorp Genetics (formerly Invitae), Labcorp
Classification: Uncertain significance. Last evaluated: 2023-07-14. Review status: criteria provided, single submitter. Criteria: Invitae Variant Classification Sherloc (09022015). Collection method: clinical testing. Allele origin: unknown.
Comment: This variant results in a copy number gain of the genomic region encompassing exon(s) 3-4 of the PDE4D gene. While the exact position of this variant cannot be determined from the data, sub-genic copy number gains are generally in tandem (PMID: 25640679). This variant is predicted to be in-frame, and likely preserves the integrity of the reading frame. A similar copy number variant has been observed in individual(s) with clinical features of acrodysostosis (Invitae). It has also been observed to segregate with disease in related individuals. Experimental studies and prediction algorithms are not available or were not evaluated, and the functional significance of this variant is currently unknown. In summary, the available evidence is currently insufficient to determine the role of this variant in disease. Therefore, it has been classified as a Variant of Uncertain Significance.

Literature cited by the submitters: PubMed 25640679.